The following is an entry in ClinVar:

ClinVar aggregate classification (germline): Likely pathogenic (1 of 4 stars; one submission).

Submission:

Dasa
Classification: Likely pathogenic. Last evaluated: 2025-02-03. Review status: criteria provided, single submitter. Criteria: DASA Assertion Criteria. Collection method: clinical testing. Allele origin: germline.
Comment: NM_022455.5(NSD1):c.1372G>T (p.Glu458*) is a nonsense variant in NSD1 predicted to introduce a premature termination codon and is predicted to result in an absent or altered protein product. Loss of function is an established disease mechanism for NSD1 (PMID: 11896389; PMID: 17565729; PMID: 23190751). Also, this variant is absent from population databases. Based on the currently available evidence, this variant is classified as likely pathogenic.

Literature cited by the submitters: PubMed 11896389; PubMed 17565729; PubMed 23190751.

NM_022455.5(NSD1):c.1372G>T (p.Glu458Ter)

Gene: NSD1 (nuclear receptor binding SET domain protein 1; plus strand). Cytogenetic location: 5q35.3.
Variant type: single nucleotide variant.
Coding change: c.1372G>T on transcript NM_022455.5 (MANE Select); coding-DNA position 1372, G replaced by T.
Protein change: p.Glu458Ter; replaces glutamic acid 458 with a stop codon.
Molecular consequence: nonsense.
Genome position (GRCh38, 1-based): chr5:177,209,771, G>T. VCF-style: chr5-177209771-G-T. GRCh37 (hg19) VCF-style: chr5-176636772-G-T.
Other names: c.499G>T, p.Glu167Ter (NM_001365684.2, NM_001409306.1, NM_001409307.1 and 3 more transcripts); c.1372G>T, p.Glu458Ter (NM_001409301.1, NM_001409302.1, NM_001409303.1); c.952G>T, p.Glu318Ter (NM_001409304.1); c.619G>T, p.Glu207Ter (NM_001409305.1); short protein forms E167*, E207*, E318*, E458*.
Identifiers: ClinVar variation 4880810 (VCV004880810.2).